The following is an entry in ClinVar:

ClinVar aggregate classification (germline): Pathogenic. Review status: criteria provided, multiple submitters, no conflicts (2 of 4 stars). 10 submissions from 10 submitters: Pathogenic (8). 2 of the submissions do not count toward it. Last evaluated 2024-12-26.

Conditions:
Sandhoff disease. Also called: GM2-GANGLIOSIDOSIS, TYPE II; HEXOSAMINIDASES A AND B DEFICIENCY; Beta-hexosaminidase-beta-subunit deficiency; GM2 gangliosidosis, type 2; Total hexosaminidase deficiency; Sandhoff-Jatzkewitz-Pilz disease. Identifiers: Orphanet 796, MedGen C0036161, MONDO:0010006, OMIM 268800.

Allele frequency attached by ClinVar (database versions not stated): TOPMed 0.00001; ExAC 0.00003; gnomAD exomes 0.00003.
gnomAD v4.1: 34 of 1,613,348 alleles (0.0021%); highest among the groups gnomAD compares: Non-Finnish European, 0.0025%; no homozygotes.

Submissions (10):

Natera, Inc.
Classification: Pathogenic for Sandhoff disease. Last evaluated: 2024-12-26. Review status: criteria provided, single submitter. Criteria: Natera Variant Classification Schema (03/2026). Collection method: clinical testing. Allele origin: germline.
Comment: The c.1597C>T variant in HEXB is a missense variant predicted to cause substitution of arginine to cysteine at amino acid 533. This variant is rare in the general population with a frequency below the threshold expected for the associated phenotype(s). This variant has been observed in one or more individuals affected with the associated recessive disease, as either homozygous or compound heterozygous with a second variant (PMID: 22848519, 31428437). Given the available evidence, this variant is classified as Pathogenic.

Fulgent Genetics
Classification: Pathogenic for Sandhoff disease. Last evaluated: 2024-05-28. Review status: criteria provided, single submitter. Criteria: ACMG Guidelines, 2015. Collection method: clinical testing. Allele origin: germline.

Labcorp Genetics (formerly Invitae), Labcorp
Classification: Pathogenic for Sandhoff disease. Last evaluated: 2024-02-12. Review status: criteria provided, single submitter. Criteria: Invitae Variant Classification Sherloc (09022015). Collection method: clinical testing. Allele origin: germline.
Comment: This sequence change replaces arginine, which is basic and polar, with cysteine, which is neutral and slightly polar, at codon 533 of the HEXB protein (p.Arg533Cys). This variant is present in population databases (rs764552042, gnomAD 0.006%). This missense change has been observed in individual(s) with Sandhoff disease (PMID: 21567908, 22848519, 23010210, 27682710). ClinVar contains an entry for this variant (Variation ID: 435415). Advanced modeling of protein sequence and biophysical properties (such as structural, functional, and spatial information, amino acid conservation, physicochemical variation, residue mobility, and thermodynamic stability) performed at Invitae indicates that this missense variant is expected to disrupt HEXB protein function with a positive predictive value of 95%. Experimental studies have shown that this missense change affects HEXB function (PMID: 22848519). For these reasons, this variant has been classified as Pathogenic.

Neuberg Centre For Genomic Medicine, NCGM
Classification: Pathogenic for Sandhoff disease. Last evaluated: 2023-06-22. Review status: criteria provided, single submitter. Criteria: ACMG Guidelines, 2015. Collection method: clinical testing. Allele origin: germline. Inheritance: Autosomal dominant inheritance. Affected: yes.
Comment: The missense c.1597C>T (p.Arg533Cys) variant in the HEXB gene which is located in a mutational hot spot has been reported previously in a compound heterozygous and homozygous state in individuals affected with Sandhoff Disease. Experimental studies have shown that this missense change affects HEXB function (Dastsooz et al., 2018; Zampieri et al., 2012). Different amino acid change affecting codon 533 (p.Arg533His) is reported as a known pathogenic variant. The amino acid Arg at position 533 is changed to a Cys changing protein sequence and it might alter its composition and physico-chemical properties. This variant has been reported to the ClinVar database as Pathogenic/ Likely Pathogenic. Multiple lines of computational evidence (Polyphen - Damaging, SIFT - Damaging and MutationTaster - Disease causing) predict a damaging effect on protein structure and function for this variant. The amino acid change p.Arg533Cys in HEXB is predicted as conserved by GERP++ and PhyloP across 100 vertebrates. For these reasons, this variant has been classified as Pathogenic. In the absence of another reportable variant, the molecular diagnosis is not confirmed.

Revvity Omics, Revvity
Classification: Pathogenic for Sandhoff disease. Last evaluated: 2021-03-16. Review status: criteria provided, single submitter. Criteria: ACMG Guidelines, 2015. Collection method: clinical testing. Allele origin: germline.

Women's Health and Genetics/Laboratory Corporation of America, LabCorp
Classification: Pathogenic for Sandhoff disease. Last evaluated: 2018-10-26. Review status: criteria provided, single submitter. Criteria: LabCorp Variant Classification Summary - May 2015. Collection method: clinical testing. Allele origin: germline.
Comment: Variant summary: HEXB c.1597C>T (p.Arg533Cys) results in a non-conservative amino acid change in the encoded protein sequence. Five of five in-silico tools predict a damaging effect of the variant on protein function. The variant allele was found at a frequency of 3.2e-05 in 246212 control chromosomes (gnomAD and publication). c.1597C>T has been reported in the literature in multiple compound heterozygous and homozygous individuals affected with Sandhoff Disease with limited or absent Hex activity (Gort_2012, Aryan_2012, Kaya_2011, Zampieri_2012). These data indicate that the variant is very likely to be associated with disease. Two CllinVar submissions from clinical diagnostic laboratories (evaluation after 2014) cite the variant as likely pathogenic/pathogenic. Based on the evidence outlined above, the variant was classified as pathogenic.

Genetic Services Laboratory, University of Chicago
Classification: Pathogenic for Sandhoff disease. Last evaluated: 2016-04-19. Review status: criteria provided, single submitter. Criteria: ACMG Guidelines, 2015. Collection method: clinical testing. Allele origin: germline. Affected: yes.

CENTOGENE GmbH and LLC - Guiding Precision Medicine
Classification: Pathogenic for Sandhoff disease. Review status: criteria provided, single submitter. Criteria: ACMG Guidelines, 2015. Collection method: clinical testing. Allele origin: germline. Affected: yes.

Biochemical Molecular Genetic Laboratory, King Abdulaziz Medical City
Classification: Pathogenic for Sandhoff disease. Last evaluated: 2020-09-10. Review status: no assertion criteria provided. Collection method: clinical testing. Allele origin: germline. Affected: yes. Not counted in ClinVar's aggregate classification.

Counsyl
Classification: Likely pathogenic for Sandhoff disease. Last evaluated: 2018-01-30. Review status: no assertion criteria provided. Collection method: clinical testing. Allele origin: unknown. Not counted in ClinVar's aggregate classification.

Literature cited by the submitters: PubMed 22848519 (cited by 4 submitters); PubMed 31428437 (cited by Natera, Inc.); PubMed 21567908 (cited by 3 submitters); PubMed 23010210 (cited by Labcorp Genetics (formerly Invitae), Labcorp); PubMed 27682710 (cited by Labcorp Genetics (formerly Invitae), Labcorp and Counsyl); PubMed 22789865 (cited by Women's Health and Genetics/Laboratory Corporation of America, LabCorp and Counsyl); PubMed 23113155 (cited by Women's Health and Genetics/Laboratory Corporation of America, LabCorp and Counsyl); PubMed 26582265 (cited by Counsyl).

NM_000521.4(HEXB):c.1597C>T (p.Arg533Cys)

Gene: HEXB (hexosaminidase subunit beta; plus strand). Cytogenetic location: 5q13.3.
Variant type: single nucleotide variant.
Coding change: c.1597C>T on transcript NM_000521.4 (MANE Select); coding-DNA position 1597, C replaced by T.
Protein change: p.Arg533Cys; replaces arginine 533 with cysteine.
Molecular consequence: missense variant.
Genome position (GRCh38, 1-based): chr5:74,720,731, C>T. VCF-style: chr5-74720731-C-T. GRCh37 (hg19) VCF-style: chr5-74016556-C-T.
Other names: c.922C>T, p.Arg308Cys (NM_001292004.2); short protein forms R533C, R308C.
Identifiers: ClinVar variation 435415 (VCV000435415.27), dbSNP rs764552042, ClinGen allele CA3306210.